The following is an entry in ClinVar:

ClinVar aggregate classification (germline): Uncertain significance (1 of 4 stars; one submission).

Submission:

Labcorp Genetics (formerly Invitae), Labcorp
Classification: Uncertain significance. Last evaluated: 2025-12-03. Review status: criteria provided, single submitter. Criteria: Invitae Variant Classification Sherloc (09022015). Collection method: clinical testing. Allele origin: germline.
Comment: This sequence change replaces glutamine, which is neutral and polar, with leucine, which is neutral and non-polar, at codon 1787 of the PHIP protein (p.Gln1787Leu). This variant is not present in population databases (gnomAD no frequency). This variant has not been reported in the literature in individuals affected with PHIP-related conditions. Invitae Evidence Modeling of protein sequence and biophysical properties (such as structural, functional, and spatial information, amino acid conservation, physicochemical variation, residue mobility, and thermodynamic stability) has been performed for this missense variant. However, the output from this modeling did not meet the statistical confidence thresholds required to predict the impact of this variant on PHIP protein function. In summary, the available evidence is currently insufficient to determine the role of this variant in disease. Therefore, it has been classified as a Variant of Uncertain Significance.

NM_017934.7(PHIP):c.5360A>T (p.Gln1787Leu)

Genes: IRAK1BP1 (interleukin 1 receptor associated kinase 1 binding protein 1; plus strand), PHIP (PHIP subunit of CUL4-Ring ligase complex; minus strand). Cytogenetic location: 6q14.1.
Variant type: single nucleotide variant.
Coding change: c.5360A>T on transcript NM_017934.7 (MANE Select); coding-DNA position 5360, A replaced by T.
Protein change: p.Gln1787Leu; replaces glutamine 1787 with leucine.
Molecular consequence: missense variant.
Genome position (GRCh38, 1-based): chr6:78,940,799, T>A on the plus strand (A>T on the coding strand, the complement: PHIP is on the minus strand). VCF-style: chr6-78940799-T-A. GRCh37 (hg19) VCF-style: chr6-79650516-T-A.
Other names: short protein forms Q1787L.
Identifiers: ClinVar variation 4781528 (VCV004781528.1).